The following is an entry in ClinVar:

ClinVar aggregate classification (germline): Likely benign. Review status: criteria provided, multiple submitters, no conflicts (2 of 4 stars). 3 submissions from 3 submitters: Likely benign (3). Last evaluated 2025-06-01.

Conditions:
Symmetrical dyschromatosis of extremities (DSH). Also called: DYSCHROMATOSIS SYMMETRICA HEREDITARIA 1; RETICULATE ACROPIGMENTATION OF DOHI; SYMMETRIC DYSCHROMATOSIS OF THE EXTREMITIES; Dyschromatosis symmetrica hereditaria. Identifiers: Orphanet 41, MedGen C0406775, MONDO:0007483, OMIM 127400.
Aicardi-Goutieres syndrome 6 (AGS6). Identifiers: Orphanet 51, MedGen C3539013, MONDO:0014007, OMIM 615010.

Allele frequency attached by ClinVar (database versions not stated): gnomAD exomes 0.00001; TOPMed 0.00003; ExAC 0.00002; gnomAD 0.00003.
gnomAD v4.1: 15 of 1,614,100 alleles (0.00093%); highest among the groups gnomAD compares: South Asian, 0.0033%; no homozygotes.

Submissions (3):

Labcorp Genetics (formerly Invitae), Labcorp
Classification: Likely benign for Aicardi-Goutieres syndrome 6; Symmetrical dyschromatosis of extremities. Last evaluated: 2025-06-01. Review status: criteria provided, single submitter. Criteria: Invitae Variant Classification Sherloc (09022015). Collection method: clinical testing. Allele origin: germline.

Genome-Nilou Lab
Classification: Likely benign for Aicardi-Goutieres syndrome 6. Last evaluated: 2023-04-11. Review status: criteria provided, single submitter. Criteria: ACMG Guidelines, 2015. Collection method: clinical testing. Allele origin: germline. Affected: no.

Illumina Laboratory Services, Illumina
Classification: Likely benign for Symmetrical dyschromatosis of extremities. Last evaluated: 2018-01-13. Review status: criteria provided, single submitter. Criteria: ICSL Variant Classification Criteria 13 December 2019. Collection method: clinical testing. Allele origin: germline.
Comment: This variant was observed in the ICSL laboratory as part of a predisposition screen in an ostensibly healthy population. It had not been previously curated by ICSL or reported in the Human Gene Mutation Database (HGMD: prior to June 1st, 2018), and was therefore a candidate for classification through an automated scoring system. Utilizing variant allele frequency, disease prevalence and penetrance estimates, and inheritance mode, an automated score was calculated to assess if this variant is too frequent to cause the disease. Based on the score and internal cut-off values, a variant classified as likely benign is not then subjected to further curation. The score for this variant resulted in a classification of likely benign for this disease.

NM_001111.5(ADAR):c.642C>T (p.Asp214=)

Gene: ADAR (adenosine deaminase RNA specific; minus strand). Cytogenetic location: 1q21.3.
Variant type: single nucleotide variant.
Coding change: c.642C>T on transcript NM_001111.5 (MANE Select); coding-DNA position 642, C replaced by T.
Protein change: p.Asp214=; no amino-acid change (aspartic acid 214 retained).
Molecular consequence: synonymous variant. On other transcripts: 5 prime UTR variant (6).
Genome position (GRCh38, 1-based): chr1:154,602,000, G>A on the plus strand (C>T on the coding strand, the complement: ADAR is on the minus strand). VCF-style: chr1-154602000-G-A. GRCh37 (hg19) VCF-style: chr1-154574476-G-A.
Other names: c.642C>T, p.Asp214= (NM_015841.4, NM_015840.4); c.-244C>T (NM_001025107.3, NM_001193495.2, NM_001365046.1 and 3 more transcripts); c.669C>T, p.Asp223= (NM_001365045.1).
Identifiers: ClinVar variation 875439 (VCV000875439.13), dbSNP rs781005907, ClinGen allele CA1131666.